The following is an entry in ClinVar:

ClinVar aggregate classification (germline): Likely benign. Review status: criteria provided, multiple submitters, no conflicts (2 of 4 stars). 6 submissions from 6 submitters: Likely benign (5). 1 of the submissions does not count toward it. Last evaluated 2025-12-23.

Conditions:
Inborn genetic diseases. Identifiers: MedGen C0950123, MeSH D030342.
Familial focal epilepsy with variable foci (FPEVF). Identifiers: Orphanet 98820, MedGen C1858477, MONDO:0020310.
DEPDC5-related disorder. Also called: DEPDC5-related condition; DEPDC5-related related disorder.

Allele frequency attached by ClinVar (database versions not stated): gnomAD exomes 0.00006 and 0.00011; ExAC 0.00009; gnomAD 0.00023 and 0.00024; TOPMed 0.00035.
gnomAD v4.1: 119 of 1,551,332 alleles (0.0077%); highest among the groups gnomAD compares: African/African-American, 0.08%; no homozygotes.

Submissions (6):

Labcorp Genetics (formerly Invitae), Labcorp
Classification: Likely benign for Familial focal epilepsy with variable foci. Last evaluated: 2025-12-23. Review status: criteria provided, single submitter. Criteria: Invitae Variant Classification Sherloc (09022015). Collection method: clinical testing. Allele origin: germline.

Blueprint Genetics
Classification: Likely benign. Last evaluated: 2020-11-17. Review status: criteria provided, single submitter. Criteria: ACMG Guidelines, 2015. Collection method: clinical testing. Allele origin: germline.

GeneDx
Classification: Likely benign. Last evaluated: 2020-06-16. Review status: criteria provided, single submitter. Criteria: GeneDx Variant Classification Process June 2021. Collection method: clinical testing. Allele origin: germline. Affected: yes.

Ambry Genetics
Classification: Likely benign for Inborn genetic diseases. Last evaluated: 2017-01-27. Review status: criteria provided, single submitter. Criteria: Ambry Variant Classification Scheme 2023. Collection method: clinical testing. Allele origin: germline.

Breakthrough Genomics
Classification: Likely benign. Review status: criteria provided, single submitter. Criteria: ACMG Guidelines, 2015. Collection method: not provided. Allele origin: germline. Inheritance: Autosomal dominant inheritance. Affected: yes.

PreventionGenetics, part of Exact Sciences
Classification: Likely benign for DEPDC5-related condition. Last evaluated: 2019-03-27. Review status: no assertion criteria provided. Collection method: clinical testing. Allele origin: germline. Not counted in ClinVar's aggregate classification.
Comment: This variant is classified as likely benign based on ACMG/AMP sequence variant interpretation guidelines (Richards et al. 2015 PMID: 25741868, with internal and published modifications).

NM_001242896.3(DEPDC5):c.3312G>A (p.Ser1104=)

Gene: DEPDC5 (DEP domain containing 5, GATOR1 subcomplex subunit; plus strand). Cytogenetic location: 22q12.3.
Variant type: single nucleotide variant.
Coding change: c.3312G>A on transcript NM_001242896.3 (MANE Select); coding-DNA position 3312, G replaced by A.
Protein change: p.Ser1104=; no amino-acid change (serine 1104 retained).
Molecular consequence: synonymous variant. On other transcripts: non-coding transcript variant (2), intron variant (5).
Genome position (GRCh38, 1-based): chr22:31,861,415, G>A. VCF-style: chr22-31861415-G-A. GRCh37 (hg19) VCF-style: chr22-32257401-G-A.
Other names: c.3285G>A, p.Ser1095= (NM_001136029.4); c.3078G>A, p.Ser1026= (NM_001363854.2, NM_001364319.2); c.3312G>A, p.Ser1104= (NM_001364318.2); c.3228G>A, p.Ser1076= (NM_001369901.1, NM_001369902.1); c.3237+3862G>A (NM_014662.6, NM_001369903.1); c.3264+3862G>A (NM_001363852.2, NM_001364320.2); c.3030+3862G>A (NM_001242897.2).
Identifiers: ClinVar variation 588880 (VCV000588880.22), dbSNP rs759169213, ClinGen allele CA10196942.